The following is an entry in ClinVar:

ClinVar aggregate classification (germline): Uncertain significance. Review status: criteria provided, multiple submitters, no conflicts (2 of 4 stars). 4 submissions from 4 submitters: Uncertain significance (4). Last evaluated 2025-12-22.

Conditions:
RECQL4-related disorder. Also called: RECQL4-related disorders; RECQL4-related condition.
Rothmund-Thomson syndrome type 2 (RTS2). Identifiers: Orphanet 221016, MedGen C5203410, MONDO:0016369, OMIM 268400.
Baller-Gerold syndrome (BGS). Also called: CRANIOSYNOSTOSIS WITH RADIAL DEFECTS. Identifiers: Orphanet 1225, MedGen C0265308, MONDO:0009039, OMIM 218600.

Allele frequency attached by ClinVar (database versions not stated): gnomAD exomes 0.00002; 1000 Genomes Project 30x 0.00016; gnomAD 0.00030 and 0.00033; TOPMed 0.00030.
gnomAD v4.1: 65 of 1,238,936 alleles (0.0052%); highest among the groups gnomAD compares: African/African-American, 0.088%; no homozygotes.

Submissions (4):

PreventionGenetics, part of Exact Sciences
Classification: Uncertain significance for RECQL4-related condition. Last evaluated: 2025-12-22. Review status: criteria provided, single submitter. Criteria: ACMG Guidelines, 2015. Collection method: clinical testing. Allele origin: germline.
Comment: The RECQL4 c.8G>T variant is predicted to result in the amino acid substitution p.Arg3Leu. To our knowledge, this variant has not been reported in the literature. This variant is reported in 0.13% of alleles in individuals of African descent in gnomAD. At this time, the clinical significance of this variant is uncertain due to the absence of conclusive functional and genetic evidence.

Labcorp Genetics (formerly Invitae), Labcorp
Classification: Uncertain significance for Baller-Gerold syndrome. Last evaluated: 2025-11-17. Review status: criteria provided, single submitter. Criteria: Invitae Variant Classification Sherloc (09022015). Collection method: clinical testing. Allele origin: germline.
Comment: This sequence change replaces arginine, which is basic and polar, with leucine, which is neutral and non-polar, at codon 3 of the RECQL4 protein (p.Arg3Leu). The frequency data for this variant in the population databases is considered unreliable, as metrics indicate poor data quality at this position in the gnomAD database. This variant has not been reported in the literature in individuals affected with RECQL4-related conditions. ClinVar contains an entry for this variant (Variation ID: 407003). Experimental studies and prediction algorithms are not available or were not evaluated, and the functional significance of this variant is currently unknown. In summary, the available evidence is currently insufficient to determine the role of this variant in disease. Therefore, it has been classified as a Variant of Uncertain Significance.

GeneDx
Classification: Uncertain significance. Last evaluated: 2025-09-03. Review status: criteria provided, single submitter. Criteria: GeneDx Variant Classification Process June 2021. Collection method: clinical testing. Allele origin: germline.
Comment: In silico analysis supports that this missense variant has a deleterious effect on protein structure/function; Has not been previously published as pathogenic or benign to our knowledge

Baylor Genetics
Classification: Uncertain significance for Rothmund-Thomson syndrome type 2. Last evaluated: 2020-12-22. Review status: criteria provided, single submitter. Criteria: ACMG Guidelines, 2015. Collection method: clinical testing. Allele origin: unknown. Affected: yes. Study: CSER-TexasKidsCanSeq.
Comment: This variant was determined to be of uncertain significance according to ACMG Guidelines, 2015 [PMID:25741868].

NM_004260.4(RECQL4):c.8G>T (p.Arg3Leu)

Genes: RECQL4 (RecQ like helicase 4; minus strand), LOC130001411 (ATAC-STARR-seq lymphoblastoid silent region 19699; plus strand). Cytogenetic location: 8q24.3.
Variant type: single nucleotide variant.
Coding change: c.8G>T on transcript NM_004260.4 (MANE Select); coding-DNA position 8, G replaced by T.
Protein change: p.Arg3Leu; replaces arginine 3 with leucine.
Molecular consequence: missense variant.
Genome position (GRCh38, 1-based): chr8:144,517,777, C>A on the plus strand (G>T on the coding strand, the complement: RECQL4 is on the minus strand). VCF-style: chr8-144517777-C-A. GRCh37 (hg19) VCF-style: chr8-145743161-C-A.
Other names: short protein forms R3L.
Identifiers: ClinVar variation 407003 (VCV000407003.11), dbSNP rs979012066, ClinGen allele CA16612435.